The following is an entry in ClinVar:

ClinVar aggregate classification (germline): Uncertain significance (1 of 4 stars; one submission).

Allele frequency attached by ClinVar (database versions not stated): gnomAD exomes below 0.00001; ExAC 0.00001; gnomAD 0.00001.
gnomAD v4.1: 3 of 1,539,266 alleles (0.00019%); no homozygotes.

Submission:

Labcorp Genetics (formerly Invitae), Labcorp
Classification: Uncertain significance. Last evaluated: 2022-07-27. Review status: criteria provided, single submitter. Criteria: Invitae Variant Classification Sherloc (09022015). Collection method: clinical testing. Allele origin: germline.
Comment: This variant is present in population databases (rs758502890, gnomAD 0.004%). In summary, the available evidence is currently insufficient to determine the role of this variant in disease. Therefore, it has been classified as a Variant of Uncertain Significance. Algorithms developed to predict the effect of sequence changes on RNA splicing suggest that this variant may disrupt the consensus splice site. Algorithms developed to predict the effect of missense changes on protein structure and function are either unavailable or do not agree on the potential impact of this missense change (SIFT: "Deleterious"; PolyPhen-2: "Possibly Damaging"; Align-GVGD: "Class C15"). This variant has not been reported in the literature in individuals affected with EXOSC8-related conditions. This sequence change replaces aspartic acid, which is acidic and polar, with glycine, which is neutral and non-polar, at codon 84 of the EXOSC8 protein (p.Asp84Gly).

NM_181503.3(EXOSC8):c.251A>G (p.Asp84Gly)

Gene: EXOSC8 (exosome component 8; plus strand). Cytogenetic location: 13q13.3.
Variant type: single nucleotide variant.
Coding change: c.251A>G on transcript NM_181503.3 (MANE Select); coding-DNA position 251, A replaced by G.
Protein change: p.Asp84Gly; replaces aspartic acid 84 with glycine.
Molecular consequence: missense variant.
Genome position (GRCh38, 1-based): chr13:37,005,932, A>G. VCF-style: chr13-37005932-A-G. GRCh37 (hg19) VCF-style: chr13-37580069-A-G.
Other names: short protein forms D84G.
Identifiers: ClinVar variation 2016761 (VCV002016761.4), dbSNP rs758502890, ClinGen allele CA6951170.